The following is an entry in ClinVar:

NM_002048.3(GAS1):c.865G>C (p.Gly289Arg)

Gene: GAS1 (growth arrest specific 1; minus strand). Cytogenetic location: 9q21.33.
Variant type: single nucleotide variant.
Coding change: c.865G>C on transcript NM_002048.3 (MANE Select); coding-DNA position 865, G replaced by C.
Protein change: p.Gly289Arg; replaces glycine 289 with arginine.
Molecular consequence: missense variant.
Genome position (GRCh38, 1-based): chr9:86,945,915, C>G on the plus strand (G>C on the coding strand, the complement: GAS1 is on the minus strand). VCF-style: chr9-86945915-C-G. GRCh37 (hg19) VCF-style: chr9-89560830-C-G.
Other names: short protein forms G289R.
Identifiers: ClinVar variation 2974153 (VCV002974153.3), dbSNP rs1235761889, ClinGen allele CA374015236.
Genomic context (GRCh38, chr9:86,945,915, plus strand): 5'-GGTCCCCGCGGCCGCCCGATGCAGCAGCGCCGCTGCCCGGGCGCGGTGGGTGCGGGACGC[C>G]GTCGTCGTCGTCCAGCGGCTGCTCACCACCCGCGCCCCCGGTGCGCTGCTCGTCATCGTA-3'
Protein context (NP_002039.2, residues 279-299): GGEQPLDDDD[Gly289Arg]VPHPPRPGSG

ClinVar aggregate classification (germline): Uncertain significance (1 of 4 stars; one submission).

gnomAD v4.1: 1 of 1,559,652 alleles (0.000064%); highest among the groups gnomAD compares: Non-Finnish European, 0.000087%; no homozygotes.

Submission:

Labcorp Genetics (formerly Invitae), Labcorp
Classification: Uncertain significance. Last evaluated: 2022-11-17. Review status: criteria provided, single submitter. Criteria: Invitae Variant Classification Sherloc (09022015). Collection method: clinical testing. Allele origin: germline.
Comment: This variant has not been reported in the literature in individuals affected with GAS1-related conditions. This variant is not present in population databases (gnomAD no frequency). This sequence change replaces glycine, which is neutral and non-polar, with arginine, which is basic and polar, at codon 289 of the GAS1 protein (p.Gly289Arg). Algorithms developed to predict the effect of missense changes on protein structure and function are either unavailable or do not agree on the potential impact of this missense change (SIFT: "Deleterious"; PolyPhen-2: "Probably Damaging"; Align-GVGD: "Class C0"). In summary, the available evidence is currently insufficient to determine the role of this variant in disease. Therefore, it has been classified as a Variant of Uncertain Significance.